The following is an entry in ClinVar:

ClinVar aggregate classification (germline): Uncertain significance (1 of 4 stars; one submission).

Submission:

Labcorp Genetics (formerly Invitae), Labcorp
Classification: Uncertain significance. Last evaluated: 2024-12-02. Review status: criteria provided, single submitter. Criteria: Invitae Variant Classification Sherloc (09022015). Collection method: clinical testing. Allele origin: germline.
Comment: This sequence change replaces threonine, which is neutral and polar, with lysine, which is basic and polar, at codon 151 of the NONO protein (p.Thr151Lys). This variant is not present in population databases (gnomAD no frequency). This variant has not been reported in the literature in individuals affected with NONO-related conditions. ClinVar contains an entry for this variant (Variation ID: 2115024). Invitae Evidence Modeling of protein sequence and biophysical properties (such as structural, functional, and spatial information, amino acid conservation, physicochemical variation, residue mobility, and thermodynamic stability) indicates that this missense variant is not expected to disrupt NONO protein function with a negative predictive value of 80%. In summary, the available evidence is currently insufficient to determine the role of this variant in disease. Therefore, it has been classified as a Variant of Uncertain Significance.

NM_007363.5(NONO):c.452C>A (p.Thr151Lys)

Gene: NONO (non-POU domain containing octamer binding; plus strand). Cytogenetic location: Xq13.1.
Variant type: single nucleotide variant.
Coding change: c.452C>A on transcript NM_007363.5 (MANE Select); coding-DNA position 452, C replaced by A.
Protein change: p.Thr151Lys; replaces threonine 151 with lysine.
Molecular consequence: missense variant.
Genome position (GRCh38, 1-based): chrX:71,294,330, C>A. VCF-style: chrX-71294330-C-A. GRCh37 (hg19) VCF-style: chrX-70514180-C-A.
Other names: c.452C>A, p.Thr151Lys (NM_001145408.2, NM_001145409.2); c.185C>A, p.Thr62Lys (NM_001145410.2); short protein forms T151K, T62K.
Identifiers: ClinVar variation 2115024 (VCV002115024.4), dbSNP rs774336123, ClinGen allele CA413540909.